The following is an entry in ClinVar:

ClinVar aggregate classification (germline): Pathogenic. Review status: criteria provided, multiple submitters, no conflicts (2 of 4 stars). 12 submissions from 12 submitters: Pathogenic (9). 3 of the submissions do not count toward it. Last evaluated 2026-06-02.

Conditions:
CACNA1A-related disorder. Also called: CACNA1A-related condition.
Developmental and epileptic encephalopathy, 42 (DEE42A). Also called: DEVELOPMENTAL AND EPILEPTIC ENCEPHALOPATHY 42A; EPILEPTIC ENCEPHALOPATHY, EARLY INFANTILE, 42A; Epileptic encephalopathy, early infantile, 42. Identifiers: MedGen C4310716, MONDO:0014917, OMIM 617106.
Episodic ataxia type 2 (EA2). Also called: ACETAZOLAMIDE-RESPONSIVE HEREDITARY PAROXYSMAL CEREBELLAR ATAXIA; ATAXIA, EPISODIC, WITH NYSTAGMUS; ATAXIA, FAMILIAL PAROXYSMAL; EPISODIC ATAXIA, NYSTAGMUS-ASSOCIATED; CEREBELLAR ATAXIA, PAROXYSMAL, ACETAZOLAMIDE-RESPONSIVE; CEREBELLOPATHY, HEREDITARY PAROXYSMAL. Identifiers: Orphanet 97, MedGen C1720416, MONDO:0007163, OMIM 108500.
Spinocerebellar ataxia type 6 (SCA6). Identifiers: Orphanet 98758, MedGen C0752124, MONDO:0008457, OMIM 183086.
Migraine, familial hemiplegic, 1. Also called: MIGRAINE, FAMILIAL HEMIPLEGIC 1, WITH PROGRESSIVE CEREBELLAR ATAXIA. Identifiers: Orphanet 569, MedGen C1832884, MONDO:0020756, OMIM 141500, MONDO:0007714.
Hereditary ataxia. Also called: Hereditary Ataxias. Identifiers: Orphanet 183518, MedGen C0004138, MONDO:0100309, MONDO:0000557.

Allele frequency attached by ClinVar (database versions not stated): gnomAD exomes below 0.00001.
gnomAD v4.1: 1 of 1,613,616 alleles (0.000062%); highest among the groups gnomAD compares: Non-Finnish European, 0.000085%; no homozygotes.

Submissions (12):

GeneDx
Classification: Pathogenic. Last evaluated: 2026-06-02. Review status: criteria provided, single submitter. Criteria: GeneDx Variant Classification Process June 2021. Collection method: clinical testing. Allele origin: germline.
Comment: Not observed at significant frequency in large population cohorts (gnomAD); In silico analysis supports that this missense variant has a deleterious effect on protein structure/function; This variant is associated with the following publications: (PMID: 27435762, 15032980, 33790770, 36676903, 33854663, 34436362, 37422902, 15728280, 35497372, 38869769, 29482223, 18400034, 38946946, 39763636)

Labcorp Genetics (formerly Invitae), Labcorp
Classification: Pathogenic for Developmental and epileptic encephalopathy, 42; Episodic ataxia type 2. Last evaluated: 2026-01-27. Review status: criteria provided, single submitter. Criteria: Invitae Variant Classification Sherloc (09022015). Collection method: clinical testing. Allele origin: germline.
Comment: This sequence change replaces arginine, which is basic and polar, with glutamine, which is neutral and polar, at codon 1346 of the CACNA1A protein (p.Arg1346Gln). This variant is not present in population databases (gnomAD no frequency). This missense change has been observed in individual(s) with developmental and epileptic encephalopathy (PMID: 19811514). In at least one individual the variant was observed to be de novo. ClinVar contains an entry for this variant (Variation ID: 8513). Invitae Evidence Modeling of protein sequence and biophysical properties (such as structural, functional, and spatial information, amino acid conservation, physicochemical variation, residue mobility, and thermodynamic stability) indicates that this missense variant is expected to disrupt CACNA1A protein function with a positive predictive value of 95%. For these reasons, this variant has been classified as Pathogenic.

Blueprint Genetics
Classification: Pathogenic for CACNA1A-related disorders. Last evaluated: 2024-06-21. Review status: criteria provided, single submitter. Criteria: ACMG Guidelines, 2015. Collection method: clinical testing. Allele origin: de novo. Affected: yes. Observed: 3 variant alleles.

Athena Diagnostics
Classification: Pathogenic. Last evaluated: 2022-11-22. Review status: criteria provided, single submitter. Criteria: Athena Diagnostics Criteria. Collection method: clinical testing. Allele origin: unknown.
Comment: This variant segregates with hemiplegic migraine with progressive cerebellar ataxia in at least one family and has also been seen in at least one de novo case. This variant has not been reported in large, multi-ethnic general populations. Computational tools predict that this variant is damaging.

AURAGEN, Plan France Médecine Génomique
Classification: Pathogenic for Hereditary ataxia. Last evaluated: 2022-02-15. Review status: criteria provided, single submitter. Criteria: PFMG2025 (Lancet Reg Health Eur. 2025). Collection method: clinical testing. Allele origin: germline. Affected: yes.

Institute of Medical Genetics and Applied Genomics, University Hospital Tübingen
Classification: Pathogenic. Last evaluated: 2020-10-23. Review status: criteria provided, single submitter. Criteria: ACMG Guidelines, 2015. Collection method: clinical testing. Allele origin: germline. Inheritance: Unknown mechanism. Affected: yes.

CeGaT Center for Human Genetics Tuebingen
Classification: Pathogenic. Last evaluated: 2019-07-01. Review status: criteria provided, single submitter. Criteria: CeGaT Center For Human Genetics Tuebingen Variant Classification Criteria Version 2. Collection method: clinical testing. Allele origin: germline. Affected: yes. Observed: 3 variant alleles.

Clinical Genetics Service, Universitary Hospital 12 de Octubre
Classification: Pathogenic for Spinocerebellar ataxia type 6. Review status: criteria provided, single submitter. Criteria: ACMG Guidelines, 2015. Collection method: clinical testing. Allele origin: germline. Affected: yes.

Juno Genomics, Hangzhou Juno Genomics, Inc
Classification: Pathogenic for Developmental and epileptic encephalopathy, 42; Episodic ataxia type 2; Migraine, familial hemiplegic, 1; Spinocerebellar ataxia type 6. Review status: criteria provided, single submitter. Criteria: ACMG Guidelines, 2015. Collection method: clinical testing. Allele origin: germline. Affected: yes.
Comment: Absent from controls (or at extremely low frequency if recessive) in Genome Aggregation Database, Exome Sequencing Project, 1000 Genomes Project, or Exome Aggregation Consortium.;Missense variant in a gene that has a low rate of benign missense variation and where missense variants are a common mechanism of disease.;The prevalence of the variant in affected individuals is significantly increased compared to the prevalence in controls.;Assumed de novo, but without confirmation of paternity and maternity.;Co-segregation with disease in multiple affected family members in a gene definitively known to cause the disease.;Multiple lines of computational evidence support a deleterious effect on the gene or gene product (conservation, evolutionary, splicing impact, etc).;Patient's phenotype or family history is highly specific for a disease with a single genetic etiology.

Solve-RD Consortium
Classification: Likely pathogenic for Developmental and epileptic encephalopathy, 42. Last evaluated: 2022-06-01. Review status: no assertion criteria provided. Collection method: provider interpretation. Allele origin: inherited. Affected: yes. Not counted in ClinVar's aggregate classification.
Comment: Variant confirmed as disease-causing by referring clinical team

Variant identified during reanalysis of unsolved cases by the Solve-RD project. The Solve-RD project has received funding from the European Union’s Horizon 2020 research and innovation programme under grant agreement No 779257.

OMIM
Classification: Pathogenic for MIGRAINE, FAMILIAL HEMIPLEGIC, 1. Last evaluated: 2008-11-01. Review status: no assertion criteria provided. Collection method: literature only. Allele origin: germline. Not counted in ClinVar's aggregate classification.

UniProtKB/Swiss-Prot
No classification provided. Condition: Familial hemiplegic migraine type 1. Review status: no classification provided. Collection method: not provided. Allele origin: not provided. Not counted in ClinVar's aggregate classification.
Comment: a Portuguese family with both slowly progressive cerebellar ataxia and hemiplegic migraine

Literature cited by the submitters: PubMed 19811514 (cited by Labcorp Genetics (formerly Invitae), Labcorp); PubMed 15032980 (cited by Athena Diagnostics); PubMed 18400034 (cited by Athena Diagnostics and OMIM); PubMed 34436362 (cited by Athena Diagnostics); PubMed 39825153 (cited by Solve-RD Consortium).

NM_001127222.2(CACNA1A):c.4034G>A (p.Arg1345Gln)

Gene: CACNA1A (calcium voltage-gated channel subunit alpha1 A; minus strand). Cytogenetic location: 19p13.13.
Variant type: single nucleotide variant.
Coding change: c.4034G>A on transcript NM_001127222.2 (MANE Select); coding-DNA position 4034, G replaced by A.
Protein change: p.Arg1345Gln; replaces arginine 1345 with glutamine.
Molecular consequence: missense variant.
Genome position (GRCh38, 1-based): chr19:13,262,789, C>T on the plus strand (G>A on the coding strand, the complement: CACNA1A is on the minus strand). VCF-style: chr19-13262789-C-T. GRCh37 (hg19) VCF-style: chr19-13373603-C-T.
Other names: R1347Q; c.4046G>A, p.Arg1349Gln (NM_000068.4, NM_023035.3); c.4037G>A, p.Arg1346Gln (NM_001127221.2, NM_001174080.2); short protein forms R1345Q, R1346Q, R1349Q.
Identifiers: ClinVar variation 8513 (VCV000008513.57), dbSNP rs121908230, ClinGen allele CA254496.
Genomic context (GRCh38, chr19:13,262,789, plus strand): 5'-CTCACCTTGAGCTTTGGCAGCCGCTTGATGGTTTTAAGAGGTCGTAGCACCCGGAGGACT[C>T]GGAGGGATTTAATCGTGTTGATGTCTTTTCCTTTGCTATTGCCACTGTGGAGGAATGTTT-3'
Protein context (NP_001120694.1, residues 1335-1355): GKDINTIKSL[Arg1345Gln]VLRVLRPLKT